The following is an entry in ClinVar:

ClinVar aggregate classification (germline): Uncertain significance (1 of 4 stars; one submission).

Conditions:
Alstrom syndrome (ALMS). Identifiers: Orphanet 64, MedGen C0268425, MONDO:0008763, OMIM 203800.

Submission:

Labcorp Genetics (formerly Invitae), Labcorp
Classification: Uncertain significance for Alstrom syndrome. Last evaluated: 2022-03-27. Review status: criteria provided, single submitter. Criteria: Invitae Variant Classification Sherloc (09022015). Collection method: clinical testing. Allele origin: germline.
Comment: This variant has not been reported in the literature in individuals affected with ALMS1-related conditions. In summary, the available evidence is currently insufficient to determine the role of this variant in disease. Therefore, it has been classified as a Variant of Uncertain Significance. Experimental studies and prediction algorithms are not available or were not evaluated, and the functional significance of this variant is currently unknown. This variant is not present in population databases (gnomAD no frequency). This sequence change replaces serine, which is neutral and polar, with phenylalanine, which is neutral and non-polar, at codon 1757 of the ALMS1 protein (p.Ser1757Phe).

NM_001378454.1(ALMS1):c.5267C>T (p.Ser1756Phe)

Gene: ALMS1 (ALMS1 centrosome and basal body associated protein; plus strand). Cytogenetic location: 2p13.1.
Variant type: single nucleotide variant.
Coding change: c.5267C>T on transcript NM_001378454.1 (MANE Select); coding-DNA position 5267, C replaced by T.
Protein change: p.Ser1756Phe; replaces serine 1756 with phenylalanine.
Molecular consequence: missense variant.
Genome position (GRCh38, 1-based): chr2:73,451,794, C>T. VCF-style: chr2-73451794-C-T. GRCh37 (hg19) VCF-style: chr2-73678921-C-T.
Other names: c.5270C>T, p.Ser1757Phe (NM_015120.4); short protein forms S1756F, S1757F.
Identifiers: ClinVar variation 2147199 (VCV002147199.4), dbSNP rs761486372, ClinGen allele CA347280609.